The following is an entry in ClinVar:

NM_000293.3(PHKB):c.2884del (p.His962fs)

Gene: PHKB (phosphorylase kinase regulatory subunit beta; plus strand). Cytogenetic location: 16q12.1.
Variant type: Deletion.
Coding change: c.2884del on transcript NM_000293.3 (MANE Select); coding-DNA position 2884, one base deleted (C; older notation c.2884delC).
Protein change: p.His962fs; shifts the reading frame from histidine 962.
Molecular consequence: frameshift variant.
Genome position (GRCh38, 1-based): chr16:47,693,496, C deleted. VCF-style (leftmost placement, unchanged base first): chr16-47693495-GC-G. GRCh37 (hg19) VCF-style: chr16-47727406-GC-G.
Other names: c.2863del, p.His955fs (NM_001031835.3); c.2884del, p.His962fs (NM_001363837.1); short protein forms H962fs, H955fs.
Identifiers: ClinVar variation 3649109 (VCV003649109.2).
Genomic context (GRCh38, chr16:47,693,495, plus strand): 5'-CTATGACCGAGTGTGGCAGATTCTGGAGCGCACGCCCAATGGGATCATTGTTGCTGGGAA[GC>G]ATTTGCCTCAGGTAAAGCCCCACCATGTTCACATAAAGAAAGGAGACTTCGCAAAGGGTA-3'

ClinVar aggregate classification (germline): Pathogenic (1 of 4 stars; one submission).

Conditions:
Glycogen storage disease IXb (GSD9B). Also called: GLYCOGENOSIS OF LIVER AND MUSCLE, AUTOSOMAL RECESSIVE; GSD IXb; PHOSPHORYLASE KINASE DEFICIENCY OF LIVER AND MUSCLE, AUTOSOMAL RECESSIVE. Identifiers: Orphanet 79240, MedGen C0543514, MONDO:0009868, OMIM 261750.

Submission:

Labcorp Genetics (formerly Invitae), Labcorp
Classification: Pathogenic for Glycogen storage disease IXb. Last evaluated: 2024-06-15. Review status: criteria provided, single submitter. Criteria: Invitae Variant Classification Sherloc (09022015). Collection method: clinical testing. Allele origin: germline.
Comment: This sequence change creates a premature translational stop signal (p.His962Ilefs*11) in the PHKB gene. It is expected to result in an absent or disrupted protein product. Loss-of-function variants in PHKB are known to be pathogenic (PMID: 9215682, 9326319). This variant is not present in population databases (gnomAD no frequency). This variant has not been reported in the literature in individuals affected with PHKB-related conditions. For these reasons, this variant has been classified as Pathogenic.

Literature cited by the submitters: PubMed 9215682; PubMed 9326319.